The following is an entry in ClinVar:

NM_000140.5(FECH):c.215dup (p.Leu72fs)

Gene: FECH (ferrochelatase; minus strand). Cytogenetic location: 18q21.31.
Variant type: Duplication.
Coding change: c.215dup on transcript NM_000140.5 (MANE Select); coding-DNA position 215, one base duplicated (T; older notation c.215dupT).
Protein change: p.Leu72fs; shifts the reading frame from leucine 72.
Molecular consequence: frameshift variant. On other transcripts: 5 prime UTR variant (1).
Genome position (GRCh38, 1-based): chr18:57,573,345, A duplicated on the plus strand (T on the coding strand, the reverse complement: FECH is on the minus strand); the first of 2 consecutive A bases (chr18:57,573,345-57,573,346); duplicating either gives the same sequence. VCF-style (leftmost placement, unchanged base first): chr18-57573344-T-TA. GRCh37 (hg19) VCF-style: chr18-55240576-T-TA.
Other names: p.Leu72Phefs*9; c.233dup, p.Leu78fs (NM_001012515.4); c.215dup, p.Leu72fs (NM_001371094.1, NM_001374778.1); c.-2dup (NM_001371095.1); short protein forms L72fs, L78fs.
Identifiers: ClinVar variation 2683631 (VCV002683631.3), dbSNP rs773486338, ClinGen allele CA8973273.
Genomic context (GRCh38, chr18:57,573,344, plus strand): 5'-GAGTCTCAGAAGGAAGTCGTGAACATCTCCAAGAGTTTCAGGGCCTCCCATGTTTAGCAT[T>TA]AATATTCCAGTTTTCGGCTTCCTATATAAAATAAAATACAACGGTTGATTTGTCACACTT-3'

ClinVar aggregate classification (germline): Pathogenic. Review status: criteria provided, multiple submitters, no conflicts (2 of 4 stars). 2 submissions from 2 submitters: Pathogenic (2). Last evaluated 2024-03-15.

Submissions (2):

Labcorp Genetics (formerly Invitae), Labcorp
Classification: Pathogenic. Last evaluated: 2024-03-15. Review status: criteria provided, single submitter. Criteria: Invitae Variant Classification Sherloc (09022015). Collection method: clinical testing. Allele origin: germline.
Comment: This sequence change creates a premature translational stop signal (p.Leu72Phefs*9) in the FECH gene. It is expected to result in an absent or disrupted protein product. Loss-of-function variants in FECH are known to be pathogenic (PMID: 20105171, 23016163, 23364466). This variant is present in population databases (rs773486338, gnomAD 0.003%). This premature translational stop signal has been observed in individual(s) with erythropoietic protoporphyria (PMID: 9347801, 33021473). For these reasons, this variant has been classified as Pathogenic.

Mayo Clinic Laboratories, Mayo Clinic
Classification: Pathogenic. Last evaluated: 2022-05-19. Review status: criteria provided, single submitter. Criteria: ACMG Guidelines, 2015. Collection method: clinical testing. Allele origin: germline. Observed: 1 variant allele.
Comment: PP4, PM2, PVS1

Literature cited by the submitters: PubMed 20105171 (cited by Labcorp Genetics (formerly Invitae), Labcorp); PubMed 23016163 (cited by Labcorp Genetics (formerly Invitae), Labcorp); PubMed 23364466 (cited by Labcorp Genetics (formerly Invitae), Labcorp); PubMed 9347801 (cited by Labcorp Genetics (formerly Invitae), Labcorp and Mayo Clinic Laboratories, Mayo Clinic); PubMed 33021473 (cited by Labcorp Genetics (formerly Invitae), Labcorp).